The following is an entry in ClinVar:

NM_005068.3(SIM1):c.2071C>T (p.His691Tyr)

Gene: SIM1 (SIM bHLH transcription factor 1; minus strand). Cytogenetic location: 6q16.3.
Variant type: single nucleotide variant.
Coding change: c.2071C>T on transcript NM_005068.3 (MANE Select); coding-DNA position 2071, C replaced by T.
Protein change: p.His691Tyr; replaces histidine 691 with tyrosine.
Molecular consequence: missense variant.
Genome position (GRCh38, 1-based): chr6:100,390,591, G>A on the plus strand (C>T on the coding strand, the complement: SIM1 is on the minus strand). VCF-style: chr6-100390591-G-A. GRCh37 (hg19) VCF-style: chr6-100838467-G-A.
Other names: c.2071C>T, p.His691Tyr (NM_001374769.1); short protein forms H691Y.
Identifiers: ClinVar variation 3351239 (VCV003351239.3).

ClinVar aggregate classification (germline): Uncertain significance. Review status: criteria provided, multiple submitters, no conflicts (2 of 4 stars). 2 submissions from 2 submitters: Uncertain significance (2). Last evaluated 2024-10-28.

Conditions:
Inborn genetic diseases. Identifiers: MedGen C0950123, MeSH D030342.
SIM1-related disorder. Also called: SIM1-related disorders; SIM1-related condition.

gnomAD v4.1: 2 of 1,613,982 alleles (0.00012%); highest among the groups gnomAD compares: African/African-American, 0.0027%; no homozygotes.

Submissions (2):

PreventionGenetics, part of Exact Sciences
Classification: Uncertain significance for SIM1-related condition. Last evaluated: 2024-10-28. Review status: criteria provided, single submitter. Criteria: ACMG Guidelines, 2015. Collection method: clinical testing. Allele origin: germline.
Comment: The SIM1 c.2071C>T variant is predicted to result in the amino acid substitution p.His691Tyr. To our knowledge, this variant has not been reported in the literature or in a large population database, indicating this variant is rare. At this time, the clinical significance of this variant is uncertain due to the absence of conclusive functional and genetic evidence.

Ambry Genetics
Classification: Uncertain significance for Inborn genetic diseases. Last evaluated: 2024-07-31. Review status: criteria provided, single submitter. Criteria: Ambry Variant Classification Scheme 2023. Collection method: clinical testing. Allele origin: germline.